The following is an entry in ClinVar:

NM_000642.3(AGL):c.177del (p.Glu60fs)

Gene: AGL (amylo-alpha-1,6-glucosidase and 4-alpha-glucanotransferase; plus strand). Cytogenetic location: 1p21.2.
Variant type: Deletion.
Coding change: c.177del on transcript NM_000642.3 (MANE Select); coding-DNA position 177, one base deleted (A; older notation c.177delA).
Protein change: p.Glu60fs; shifts the reading frame from glutamic acid 60.
Molecular consequence: frameshift variant. On other transcripts: intron variant (1).
Genome position (GRCh38, 1-based): chr1:99,861,597, A deleted. VCF-style (leftmost placement, unchanged base first): chr1-99861596-GA-G. GRCh37 (hg19) VCF-style: chr1-100327152-GA-G.
Other names: c.177del, p.Glu60fs (NM_000028.3, NM_000643.3, NM_000644.3 and 5 more transcripts); c.129del, p.Glu44fs (NM_000646.3); c.83-2789del (NM_001425332.1); short protein forms E44fs, E60fs.
Identifiers: ClinVar variation 5012505 (VCV005012505.1).

ClinVar aggregate classification (germline): Pathogenic (1 of 4 stars; one submission).

Conditions:
Glycogen storage disease type III (GSD3). Also called: FORBES DISEASE; Cori disease. Identifiers: Orphanet 366, MedGen C0017922, MONDO:0009291, OMIM 232400.

Submission:

Myriad Genetics, Inc.
Classification: Pathogenic for Glycogen storage disease type III. Last evaluated: 2023-11-20. Review status: criteria provided, single submitter. Criteria: Myriad Autosomal Dominant, Autosomal Recessive and X-Linked Classification Criteria (2023). Collection method: clinical testing. Allele origin: unknown.
Comment: NM_000642.2(AGL):c.177delA(E60Kfs*48) is expected to be pathogenic in the context of glycogen storage disease type III. This variant is predicted to lead to an abnormal or absent protein product due to the creation of a premature termination codon in AGL, a gene where loss-of-function variants are known to be pathogenic. Please note: this variant was assessed in the context of healthy population screening.